The following is an entry in ClinVar:

NM_003000.3(SDHB):c.71A>T (p.Gln24Leu)

Genes: SDHB (succinate dehydrogenase complex iron sulfur subunit B; minus strand), LOC129929542 (ATAC-STARR-seq lymphoblastoid active region 277; plus strand). Cytogenetic location: 1p36.13.
Variant type: single nucleotide variant.
Coding change: c.71A>T on transcript NM_003000.3 (MANE Select); coding-DNA position 71, A replaced by T.
Protein change: p.Gln24Leu; replaces glutamine 24 with leucine.
Molecular consequence: missense variant.
Genome position (GRCh38, 1-based): chr1:17,053,949, T>A on the plus strand (A>T on the coding strand, the complement: SDHB is on the minus strand). VCF-style: chr1-17053949-T-A. GRCh37 (hg19) VCF-style: chr1-17380444-T-A.
Other names: c.71A>T, p.Gln24Leu (NM_001407361.1); short protein forms Q24L.
Identifiers: ClinVar variation 1715676 (VCV001715676.8), dbSNP rs878854580, ClinGen allele CA338230586.

ClinVar aggregate classification (germline): Uncertain significance. Review status: criteria provided, multiple submitters, no conflicts (2 of 4 stars). 2 submissions from 2 submitters: Uncertain significance (2). Last evaluated 2023-04-13.

Conditions:
Pheochromocytoma/paraganglioma syndrome 4. Also called: CAROTID BODY TUMORS AND MULTIPLE EXTRAADRENAL PHEOCHROMOCYTOMAS; PARAGANGLIOMA, FAMILIAL MALIGNANT; PARAGANGLIOMAS, HEREDITARY EXTRAADRENAL; PHEOCHROMOCYTOMA, FAMILIAL EXTRAADRENAL; SDHB-Related Hereditary Paraganglioma-Pheochromocytoma Syndrome; SDHB-Related Hereditary Paraganglioma-Pheochromocytoma Syndrome (Paragangliomas 4). Identifiers: Orphanet 29072, MedGen C1861848, MONDO:0007273, OMIM 115310.
Pheochromocytoma. Also called: MAX-Related Hereditary Paraganglioma-Pheochromocytoma Syndrome. Identifiers: Orphanet 29072, MedGen C0031511, MONDO:0008233, OMIM 171300, HP:0002666.
Gastrointestinal stromal tumor. Also called: Gastrointestinal stroma tumor; Gastrointestinal stromal tumor, somatic. Identifiers: Orphanet 44890, MedGen C0238198, MeSH D046152, MONDO:0011719, OMIM 606764, HP:0100723.
Hereditary cancer-predisposing syndrome. Also called: Tumor predisposition; Neoplastic Syndromes, Hereditary; Hereditary Cancer Syndrome; Hereditary neoplastic syndrome. Identifiers: Orphanet 140162, MedGen C0027672, MeSH D009386, MONDO:0015356.

Submissions (2):

Ambry Genetics
Classification: Uncertain significance for Hereditary cancer-predisposing syndrome. Last evaluated: 2023-04-13. Review status: criteria provided, single submitter. Criteria: Ambry Variant Classification Scheme 2023. Collection method: clinical testing. Allele origin: germline.
Comment: The p.Q24L variant (also known as c.71A>T), located in coding exon 1 of the SDHB gene, results from an A to T substitution at nucleotide position 71. The glutamine at codon 24 is replaced by leucine, an amino acid with dissimilar properties. This amino acid position is conserved. In addition, the in silico prediction for this alteration is inconclusive. Since supporting evidence is limited at this time, the clinical significance of this alteration remains unclear.

Labcorp Genetics (formerly Invitae), Labcorp
Classification: Uncertain significance for Gastrointestinal stromal tumor; Pheochromocytoma/paraganglioma syndrome 4; Pheochromocytoma. Last evaluated: 2022-08-17. Review status: criteria provided, single submitter. Criteria: Invitae Variant Classification Sherloc (09022015). Collection method: clinical testing. Allele origin: germline.
Comment: This variant has not been reported in the literature in individuals affected with SDHB-related conditions. Algorithms developed to predict the effect of missense changes on protein structure and function (SIFT, PolyPhen-2, Align-GVGD) all suggest that this variant is likely to be tolerated. Algorithms developed to predict the effect of sequence changes on RNA splicing suggest that this variant may create or strengthen a splice site. In summary, the available evidence is currently insufficient to determine the role of this variant in disease. Therefore, it has been classified as a Variant of Uncertain Significance. This sequence change replaces glutamine, which is neutral and polar, with leucine, which is neutral and non-polar, at codon 24 of the SDHB protein (p.Gln24Leu). This variant is not present in population databases (gnomAD no frequency).